The following is an entry in ClinVar:

NM_000051.4(ATM):c.7099G>C (p.Val2367Leu)

Genes: ATM (ATM serine/threonine kinase; plus strand), C11orf65 (chromosome 11 open reading frame 65; minus strand). Cytogenetic location: 11q22.3.
Variant type: single nucleotide variant.
Coding change: c.7099G>C on transcript NM_000051.4 (MANE Select); coding-DNA position 7099, G replaced by C.
Protein change: p.Val2367Leu; replaces valine 2367 with leucine.
Molecular consequence: missense variant. On other transcripts: intron variant (2).
Genome position (GRCh38, 1-based): chr11:108,329,030, G>C. VCF-style: chr11-108329030-G-C. GRCh37 (hg19) VCF-style: chr11-108199757-G-C.
Other names: c.7099G>C, p.Val2367Leu (NM_001351834.2); c.641-19959C>G (NM_001330368.2); c.*38+6190C>G (NM_001351110.2); short protein forms V2367L.
Identifiers: ClinVar variation 478945 (VCV000478945.26), dbSNP rs1060501647, ClinGen allele CA382559394.

ClinVar aggregate classification (germline): Conflicting classifications of pathogenicity. Review status: criteria provided, conflicting classifications (1 of 4 stars). 4 submissions from 4 submitters: Uncertain significance (2); Likely benign (1). 1 of the submissions does not count toward it. Last evaluated 2024-08-11.

Conditions:
Hereditary cancer-predisposing syndrome. Also called: Neoplastic Syndromes, Hereditary; Hereditary Cancer Syndrome; Tumor predisposition; Hereditary neoplastic syndrome. Identifiers: Orphanet 140162, MedGen C0027672, MeSH D009386, MONDO:0015356.
Ataxia-telangiectasia syndrome (AT). Also called: LOUIS-BAR SYNDROME; Cerebello-oculocutaneous telangiectasia; Immunodeficiency with ataxia telangiectasia; Ataxia-telangiectasia, complementation group D; AT, COMPLEMENTATION GROUP C; Ataxia-telangiectasia, complementation group E. Identifiers: Orphanet 100, MedGen C0004135, MONDO:0008840, OMIM 208900.
Familial cancer of breast. Also called: Hereditary breast cancer; BREAST CANCER, FAMILIAL; hereditary breast carcinoma. Identifiers: Orphanet 227535, MedGen C0346153, MONDO:0016419, OMIM 114480. Disease mechanism: loss of function.

Submissions (4):

Labcorp Genetics (formerly Invitae), Labcorp
Classification: Uncertain significance for Ataxia-telangiectasia syndrome. Last evaluated: 2024-08-11. Review status: criteria provided, single submitter. Criteria: Invitae Variant Classification Sherloc (09022015). Collection method: clinical testing. Allele origin: germline.
Comment: This sequence change replaces valine, which is neutral and non-polar, with leucine, which is neutral and non-polar, at codon 2367 of the ATM protein (p.Val2367Leu). This variant is not present in population databases (gnomAD no frequency). This variant has not been reported in the literature in individuals affected with ATM-related conditions. ClinVar contains an entry for this variant (Variation ID: 478945). An algorithm developed to predict the effect of missense changes on protein structure and function (PolyPhen-2) suggests that this variant is likely to be tolerated. In summary, the available evidence is currently insufficient to determine the role of this variant in disease. Therefore, it has been classified as a Variant of Uncertain Significance.

Ambry Genetics
Classification: Likely benign for Hereditary cancer-predisposing syndrome. Last evaluated: 2024-03-29. Review status: criteria provided, single submitter. Criteria: Ambry Variant Classification Scheme 2023. Collection method: clinical testing. Allele origin: germline.

Baylor Genetics
Classification: Uncertain significance for Familial cancer of breast. Last evaluated: 2024-02-22. Review status: criteria provided, single submitter. Criteria: ACMG Guidelines, 2015. Collection method: clinical testing. Allele origin: unknown.

Natera, Inc.
Classification: Uncertain significance for Ataxia-telangiectasia. Last evaluated: 2021-10-19. Review status: no assertion criteria provided. Collection method: clinical testing. Allele origin: germline. Not counted in ClinVar's aggregate classification.